The following is an entry in ClinVar:

NM_006891.4(CRYGD):c.161_163del (p.Leu54del)

Genes: CRYGD (crystallin gamma D; minus strand), LOC100507443 (uncharacterized LOC100507443; plus strand). Cytogenetic location: 2q33.3.
Variant type: Deletion.
Coding change: c.161_163del on transcript NM_006891.4 (MANE Select); coding-DNA positions 161 to 163, 3 bases deleted (TCC; older notation c.161_163delTCC).
Protein change: p.Leu54del; deletes leucine 54.
Molecular consequence: inframe deletion.
Genome position (GRCh38, 1-based): chr2:208,124,201-208,124,203, GGA deleted on the plus strand (TCC on the coding strand, the reverse complement: CRYGD is on the minus strand); deleting any 3 consecutive bases within chr2:208,124,201-208,124,205 gives the same sequence; the c. name uses the placement nearest the transcript's 3' end. VCF-style (leftmost placement, unchanged base first): chr2-208124200-TGGA-T. GRCh37 (hg19) VCF-style: chr2-208988924-TGGA-T.
Other names: short protein forms L54del.
Identifiers: ClinVar variation 2772706 (VCV002772706.3), dbSNP rs2469111242, ClinGen allele CA2697550357.
Genomic context (GRCh38, chr2:208,124,200, plus strand): 5'-GAGTCGCTGAGGCCCATCCACTGCTGGTGGTCGGCATAGTCGCCGCGGCGCAGGAAGTAC[TGGA>T]GGCCCGAGTAGTTGGGCTGCTCATAGAGCATCCAGCAGCCGCTGTCCACGCGCGCCGAGT-3'

ClinVar aggregate classification (germline): Likely pathogenic (1 of 4 stars; one submission).

Conditions:
Aculeiform cataract (CTRCT4). Also called: Fasciculiform cataract; Frosted cataract; Needle-shaped cataract. Identifiers: MedGen C1861832, HP:0010926.

Submission:

Labcorp Genetics (formerly Invitae), Labcorp
Classification: Likely pathogenic for Aculeiform cataract. Last evaluated: 2023-12-04. Review status: criteria provided, single submitter. Criteria: Invitae Variant Classification Sherloc (09022015). Collection method: clinical testing. Allele origin: germline.
Comment: This variant, c.161_163del, results in the deletion of 1 amino acid(s) of the CRYGD protein (p.Leu54del), but otherwise preserves the integrity of the reading frame. This variant is not present in population databases (gnomAD no frequency). This variant has been observed in individual(s) with clinical features of CRYGD-related conditions (Invitae). In at least one individual the variant was observed to be de novo. Experimental studies and prediction algorithms are not available or were not evaluated, and the functional significance of this variant is currently unknown. In summary, the currently available evidence indicates that the variant is pathogenic, but additional data are needed to prove that conclusively. Therefore, this variant has been classified as Likely Pathogenic.